The following is an entry in ClinVar:

NM_001846.4(COL4A2):c.4894G>C (p.Gly1632Arg)

Gene: COL4A2 (collagen type IV alpha 2 chain; plus strand). Cytogenetic location: 13q34.
Variant type: single nucleotide variant.
Coding change: c.4894G>C on transcript NM_001846.4 (MANE Select); coding-DNA position 4894, G replaced by C.
Protein change: p.Gly1632Arg; replaces glycine 1632 with arginine.
Molecular consequence: missense variant.
Genome position (GRCh38, 1-based): chr13:110,511,946, G>C. VCF-style: chr13-110511946-G-C. GRCh37 (hg19) VCF-style: chr13-111164293-G-C.
Other names: short protein forms G1632R.
Identifiers: ClinVar variation 2574349 (VCV002574349.1), dbSNP rs2502225911, ClinGen allele CA388743819.

ClinVar aggregate classification (germline): Uncertain significance (1 of 4 stars; one submission).

Submission:

GeneDx
Classification: Uncertain significance. Last evaluated: 2023-01-27. Review status: criteria provided, single submitter. Criteria: GeneDx Variant Classification Process June 2021. Collection method: clinical testing. Allele origin: germline. Affected: yes.
Comment: Not observed at significant frequency in large population cohorts (gnomAD); In silico analysis supports that this missense variant has a deleterious effect on protein structure/function; Has not been previously published as pathogenic or benign to our knowledge